The following is an entry in ClinVar:

NM_001267550.2(TTN):c.50928T>C (p.Val16976=)

Genes: TTN (titin; minus strand), TTN-AS1 (TTN antisense RNA 1; plus strand). Cytogenetic location: 2q31.2.
Variant type: single nucleotide variant.
Coding change: c.50928T>C on transcript NM_001267550.2 (MANE Select); coding-DNA position 50928, T replaced by C.
Protein change: p.Val16976=; no amino-acid change (valine 16976 retained).
Molecular consequence: synonymous variant.
Genome position (GRCh38, 1-based): chr2:178,611,201, A>G on the plus strand (T>C on the coding strand, the complement: TTN is on the minus strand). VCF-style: chr2-178611201-A-G. GRCh37 (hg19) VCF-style: chr2-179475928-A-G.
Other names: c.46005T>C, p.Val15335= (NM_001256850.1); c.23733T>C, p.Val7911= (NM_003319.4); c.43224T>C, p.Val14408= (NM_133378.4); c.24108T>C, p.Val8036= (NM_133432.3); c.24309T>C, p.Val8103= (NM_133437.4).
Identifiers: ClinVar variation 743346 (VCV000743346.11), dbSNP rs746690194, ClinGen allele CA1994275.
Genomic context (GRCh38, chr2:178,611,201, plus strand): 5'-TTTAACTTCTTTGCCATCTTTATGCCAACTAACAGTTGGAACTGGGACAGCTCTGAAGGG[A>G]ACAGGAATGCTTAACTTTTCACCTTCAATAACAATAATGTCATGAGTCTCCAGGTCAATT-3'
Protein context (NP_001254479.2, residues 16966-16986): VIEGEKLSIP[Val16976=]PFRAVPVPTV

ClinVar aggregate classification (germline): Likely benign. Review status: criteria provided, multiple submitters, no conflicts (2 of 4 stars). 2 submissions from 2 submitters: Likely benign (2). Last evaluated 2026-07-01.

Conditions:
Dilated cardiomyopathy 1G (CMD1G). Identifiers: Orphanet 154, MedGen C1858763, MONDO:0011400, OMIM 604145.
Autosomal recessive limb-girdle muscular dystrophy type 2J (LGMDR10). Also called: MUSCULAR DYSTROPHY, LIMB-GIRDLE, AUTOSOMAL RECESSIVE 10; Limb-girdle muscular dystrophy, type 2J. Identifiers: Orphanet 140922, MedGen C1837342, MONDO:0012127, OMIM 608807.

Allele frequency attached by ClinVar (database versions not stated): gnomAD exomes below 0.00001 and 0.00001; TOPMed below 0.00001; ExAC 0.00001.
gnomAD v4.1: 4 of 1,612,742 alleles (0.00025%); highest among the groups gnomAD compares: Admixed American, 0.0033%; no homozygotes.

Submissions (2):

CeGaT Center for Human Genetics Tuebingen
Classification: Likely benign. Last evaluated: 2026-07-01. Review status: criteria provided, single submitter. Criteria: CeGaT Center For Human Genetics Tuebingen Variant Classification Criteria Version 2. Collection method: clinical testing. Allele origin: germline. Affected: yes. Observed: 1 variant allele.
Comment: TTN: BP4, BP7

Labcorp Genetics (formerly Invitae), Labcorp
Classification: Likely benign for Dilated cardiomyopathy 1G; Autosomal recessive limb-girdle muscular dystrophy type 2J. Last evaluated: 2024-04-02. Review status: criteria provided, single submitter. Criteria: Invitae Variant Classification Sherloc (09022015). Collection method: clinical testing. Allele origin: germline.